The following is an entry in ClinVar:

ClinVar aggregate classification (germline): Uncertain significance (1 of 4 stars; one submission).

Conditions:
Baraitser-Winter syndrome 1 (BRWS1). Also called: PACHYGYRIA, MENTAL RETARDATION, EPILEPSY, AND CHARACTERISTIC FACIES; MENTAL RETARDATION WITH EPILEPSY AND CHARACTERISTIC FACIES; Cerebrofrontofacial syndrome; BARAITSER-WINTER SYNDROME 1, ATYPICAL. Identifiers: Orphanet 2649, Orphanet 2995, MedGen C1855722, MONDO:0009470, OMIM 243310.

Submission:

Labcorp Genetics (formerly Invitae), Labcorp
Classification: Uncertain significance for Baraitser-Winter syndrome 1. Last evaluated: 2023-12-04. Review status: criteria provided, single submitter. Criteria: Invitae Variant Classification Sherloc (09022015). Collection method: clinical testing. Allele origin: germline.
Comment: This sequence change replaces threonine, which is neutral and polar, with alanine, which is neutral and non-polar, at codon 201 of the ACTB protein (p.Thr201Ala). This variant is not present in population databases (gnomAD no frequency). This variant has not been reported in the literature in individuals affected with ACTB-related conditions. Advanced modeling of protein sequence and biophysical properties (such as structural, functional, and spatial information, amino acid conservation, physicochemical variation, residue mobility, and thermodynamic stability) performed at Invitae indicates that this missense variant is not expected to disrupt ACTB protein function with a negative predictive value of 80%. In summary, the available evidence is currently insufficient to determine the role of this variant in disease. Therefore, it has been classified as a Variant of Uncertain Significance.

NM_001101.5(ACTB):c.601A>G (p.Thr201Ala)

Gene: ACTB (actin beta; minus strand). Cytogenetic location: 7p22.1.
Variant type: single nucleotide variant.
Coding change: c.601A>G on transcript NM_001101.5 (MANE Select); coding-DNA position 601, A replaced by G.
Protein change: p.Thr201Ala; replaces threonine 201 with alanine.
Molecular consequence: missense variant.
Genome position (GRCh38, 1-based): chr7:5,528,482, T>C on the plus strand (A>G on the coding strand, the complement: ACTB is on the minus strand). VCF-style: chr7-5528482-T-C. GRCh37 (hg19) VCF-style: chr7-5568113-T-C.
Other names: short protein forms T201A.
Identifiers: ClinVar variation 2700400 (VCV002700400.3), dbSNP rs2533847582, ClinGen allele CA366702486.